The following is an entry in ClinVar:

NM_000067.3(CA2):c.232+1G>A

Gene: CA2 (carbonic anhydrase 2; plus strand). Cytogenetic location: 8q21.2.
Variant type: single nucleotide variant.
Coding change: c.232+1G>A on transcript NM_000067.3 (MANE Select); the canonical splice donor site of the intron after coding-DNA position 232, G replaced by A.
Molecular consequence: splice donor variant.
Genome position (GRCh38, 1-based): chr8:85,465,470, G>A. VCF-style: chr8-85465470-G-A. GRCh37 (hg19) VCF-style: chr8-86377699-G-A.
Other names: IVS2DS, G-A, +1; c.48+1G>A (NM_001293675.2).
Identifiers: ClinVar variation 288909 (VCV000288909.24), dbSNP rs573750741, ClinGen allele CA4796434.

ClinVar aggregate classification (germline): Pathogenic. Review status: criteria provided, multiple submitters, no conflicts (2 of 4 stars). 13 submissions from 13 submitters: Pathogenic (9). 4 of the submissions do not count toward it. Last evaluated 2025-10-06.

Conditions:
Osteopetrosis with renal tubular acidosis (OPTB3). Also called: Autosomal recessive osteopetrosis 3. Identifiers: Orphanet 2785, MedGen C0345407, MONDO:0009818, OMIM 259730.
CA2-related disorder. Also called: CA2-related condition.
Osteopetrosis. Identifiers: Orphanet 2781, MedGen C0029454, MONDO:0017198, HP:0011002.

Allele frequency attached by ClinVar (database versions not stated): gnomAD exomes below 0.00001; ExAC 0.00001; gnomAD 0.00001; TOPMed 0.00001; 1000 Genomes Project 30x 0.00016; 1000 Genomes Project 0.00020.
gnomAD v4.1: 5 of 1,612,482 alleles (0.00031%); highest among the groups gnomAD compares: Admixed American, 0.0033%; no homozygotes.

Submissions (13):

Labcorp Genetics (formerly Invitae), Labcorp
Classification: Pathogenic. Last evaluated: 2025-10-06. Review status: criteria provided, single submitter. Criteria: Invitae Variant Classification Sherloc (09022015). Collection method: clinical testing. Allele origin: germline.
Comment: This sequence change affects a donor splice site in intron 2 of the CA2 gene. It is expected to disrupt RNA splicing. Variants that disrupt the donor or acceptor splice site typically lead to a loss of protein function (PMID: 16199547), and loss-of-function variants in CA2 are known to be pathogenic (PMID: 15300855). This variant is present in population databases (rs573750741, gnomAD 0.003%). Disruption of this splice site has been observed in individuals with carbonic anhydrase II deficiency syndrome (PMID: 25674028, 29620724). ClinVar contains an entry for this variant (Variation ID: 288909). Algorithms developed to predict the effect of sequence changes on RNA splicing suggest that this variant may disrupt the consensus splice site. For these reasons, this variant has been classified as Pathogenic.

Rare Kidney Stone Consortium and the Mayo Clinic Hyperoxaluria Center, Mayo Clinic
Classification: Pathogenic for Osteopetrosis with renal tubular acidosis. Last evaluated: 2025-10-03. Review status: criteria provided, single submitter. Criteria: ACMG Guidelines, 2015. Collection method: research. Allele origin: germline. Affected: yes. Observed: 2 variant alleles.
Comment: ACMG:PVS1, PM2, PM3, PP5

3billion
Classification: Pathogenic for Osteopetrosis with renal tubular acidosis. Last evaluated: 2024-10-07. Review status: criteria provided, single submitter. Criteria: ACMG Guidelines, 2015. Collection method: clinical testing. Allele origin: germline. Affected: yes.
Comment: The variant is observed at an extremely low frequency in the gnomAD v4.1.0 dataset (total allele frequency: <0.001%). Predicted Consequence/Location: Canonical splice site: predicted to alter splicing and result in a loss or disruption of normal protein function. Multiple pathogenic loss-of-function variants are reported downstream of the variant. The variant has been reported at least twice as pathogenic with clinical assertions and evidence for the classification (ClinVar ID: VCV000288909 /PMID: 1301935 /3billion dataset). Therefore, this variant is classified as Pathogenic according to the recommendation of ACMG/AMP guideline.

Dubai Health Genomic Medicine Center, Dubai Health
Classification: Pathogenic for Osteopetrosis. Last evaluated: 2024-10-04. Review status: criteria provided, single submitter. Criteria: ACMG Guidelines, 2015. Collection method: research. Allele origin: germline. Affected: yes.
Comment: PVS1,PM3,PM2,PP1

Genomic Medicine Center of Excellence, King Faisal Specialist Hospital and Research Centre
Classification: Pathogenic for Osteopetrosis with renal tubular acidosis. Last evaluated: 2024-03-14. Review status: criteria provided, single submitter. Criteria: ACMG Guidelines, 2015. Collection method: research. Allele origin: germline.

Fulgent Genetics
Classification: Pathogenic for Osteopetrosis with renal tubular acidosis. Last evaluated: 2024-03-11. Review status: criteria provided, single submitter. Criteria: ACMG Guidelines, 2015. Collection method: clinical testing. Allele origin: germline.

GeneDx
Classification: Pathogenic. Last evaluated: 2022-01-10. Review status: criteria provided, single submitter. Criteria: GeneDx Variant Classification Process June 2021. Collection method: clinical testing. Allele origin: germline. Affected: yes.
Comment: Canonical splice site variant expected to result in aberrant splicing, although in the absence of functional evidence the actual effect of this sequence change is unknown.; Not observed at significant frequency in large population cohorts (gnomAD); This variant is associated with the following publications: (PMID: 16382316, 31130284, 25525159, 1301935, 25099932, 25674028, 28509178, 27717089, 15300855, 7959703, 29302074, 29620724, 30510438, 30109220, 32552793)

Blueprint Genetics
Classification: Pathogenic for CA2-related disorders. Last evaluated: 2021-08-03. Review status: criteria provided, single submitter. Criteria: ACMG Guidelines, 2015. Collection method: clinical testing. Allele origin: germline. Affected: yes. Observed: 5 variant alleles.

Eurofins Ntd Llc (ga)
Classification: Pathogenic. Last evaluated: 2016-07-15. Review status: criteria provided, single submitter. Criteria: EGL Classification Definitions 2015. Collection method: clinical testing. Allele origin: germline. Observed: 2 variant alleles, 2 homozygotes.

Biochemical Molecular Genetic Laboratory, King Abdulaziz Medical City
Classification: Pathogenic for Osteopetrosis with renal tubular acidosis. Last evaluated: 2019-08-25. Review status: no assertion criteria provided. Collection method: clinical testing. Allele origin: germline. Affected: yes. Not counted in ClinVar's aggregate classification.

Bioscientia Institut fuer Medizinische Diagnostik GmbH, Sonic Healthcare
Classification: Pathogenic for Osteopetrosis with renal tubular acidosis. Last evaluated: 2017-09-18. Review status: no assertion criteria provided. Collection method: clinical testing. Allele origin: germline. Affected: yes. Not counted in ClinVar's aggregate classification.

Baylor Genetics
Classification: Pathogenic for Osteopetrosis with renal tubular acidosis. Last evaluated: 2015-06-08. Review status: no assertion criteria provided. Collection method: clinical testing. Allele origin: germline. Inheritance: Autosomal recessive inheritance. Affected: yes. Observed: 2 variant alleles, 1 heterozygote, 1 homozygote. Not counted in ClinVar's aggregate classification.
Comment: The CA2 variant has been previously reported as disease-causing [PMID 1301935]. Heterozygotes would be expected to be asymptomatic carriers.

OMIM
Classification: Pathogenic for OSTEOPETROSIS, AUTOSOMAL RECESSIVE 3. Last evaluated: 1992-01-01. Review status: no assertion criteria provided. Collection method: literature only. Allele origin: germline. Not counted in ClinVar's aggregate classification.

Literature cited by the submitters: PubMed 16199547 (cited by Labcorp Genetics (formerly Invitae), Labcorp); PubMed 15300855 (cited by Labcorp Genetics (formerly Invitae), Labcorp); PubMed 25674028 (cited by Labcorp Genetics (formerly Invitae), Labcorp and Rare Kidney Stone Consortium and the Mayo Clinic Hyperoxaluria Center, Mayo Clinic); PubMed 29620724 (cited by Labcorp Genetics (formerly Invitae), Labcorp and Rare Kidney Stone Consortium and the Mayo Clinic Hyperoxaluria Center, Mayo Clinic); PubMed 1301935 (cited by 4 submitters); PubMed 7959703 (cited by Rare Kidney Stone Consortium and the Mayo Clinic Hyperoxaluria Center, Mayo Clinic); PubMed 25525159 (cited by Rare Kidney Stone Consortium and the Mayo Clinic Hyperoxaluria Center, Mayo Clinic); PubMed 28509178 (cited by Rare Kidney Stone Consortium and the Mayo Clinic Hyperoxaluria Center, Mayo Clinic); PubMed 27717089 (cited by Rare Kidney Stone Consortium and the Mayo Clinic Hyperoxaluria Center, Mayo Clinic); PubMed 29302074 (cited by Rare Kidney Stone Consortium and the Mayo Clinic Hyperoxaluria Center, Mayo Clinic); PubMed 31130284 (cited by Rare Kidney Stone Consortium and the Mayo Clinic Hyperoxaluria Center, Mayo Clinic); PubMed 32552793 (cited by Rare Kidney Stone Consortium and the Mayo Clinic Hyperoxaluria Center, Mayo Clinic); PubMed 37644014 (cited by Rare Kidney Stone Consortium and the Mayo Clinic Hyperoxaluria Center, Mayo Clinic); PubMed 38328522 (cited by Rare Kidney Stone Consortium and the Mayo Clinic Hyperoxaluria Center, Mayo Clinic); PubMed 40794449 (cited by Rare Kidney Stone Consortium and the Mayo Clinic Hyperoxaluria Center, Mayo Clinic).